The following is an entry in ClinVar:

ClinVar aggregate classification (germline): Pathogenic (1 of 4 stars; one submission).

Conditions:
Blepharophimosis, ptosis, and epicanthus inversus syndrome. Identifiers: Orphanet 126, MedGen C0220663, MONDO:0007201, OMIM 110100.

Submission:

Institute of Human Genetics, University of Goettingen
Classification: Pathogenic for Blepharophimosis, ptosis, and epicanthus inversus syndrome. Last evaluated: 2024-07-29. Review status: criteria provided, single submitter. Criteria: ACMG Guidelines, 2015. Collection method: clinical testing. Allele origin: de novo. Inheritance: Autosomal dominant inheritance. Affected: yes. Observed: 1 heterozygote.
Comment: ACMG criteria used for classification: PVS1, PS2, PP4, PM2_sup

Literature cited by the submitters: PubMed 36338666.

NM_023067.4(FOXL2):c.684del (p.Ala229fs)

Gene: FOXL2 (forkhead box L2; minus strand). Cytogenetic location: 3q22.3.
Variant type: Deletion.
Coding change: c.684del on transcript NM_023067.4 (MANE Select); coding-DNA position 684, one base deleted (A; older notation c.684delA).
Protein change: p.Ala229fs; shifts the reading frame from alanine 229.
Molecular consequence: frameshift variant.
Genome position (GRCh38, 1-based): chr3:138,946,039, T deleted on the plus strand (A on the coding strand, the reverse complement: FOXL2 is on the minus strand). VCF-style (leftmost placement, unchanged base first): chr3-138946038-CT-C. GRCh37 (hg19) VCF-style: chr3-138664880-CT-C.
Other names: short protein forms A229fs.
Identifiers: ClinVar variation 3256534 (VCV003256534.2).